The following is an entry in ClinVar:

ClinVar aggregate classification (germline): Uncertain significance. Review status: criteria provided, single submitter (1 of 4 stars). 2 submissions from 2 submitters: Uncertain significance (1). 1 of the submissions does not count toward it. Last evaluated 2022-06-10.

Conditions:
Third degree atrioventricular block. Identifiers: MedGen C0151517, MONDO:0000468, HP:0001709.
Atrial fibrillation, familial, 7 (ATFB7). Identifiers: MedGen C2677106, MONDO:0012828, OMIM 612240.

Submissions (2):

Labcorp Genetics (formerly Invitae), Labcorp
Classification: Uncertain significance for Atrial fibrillation, familial, 7. Last evaluated: 2022-06-10. Review status: criteria provided, single submitter. Criteria: Invitae Variant Classification Sherloc (09022015). Collection method: clinical testing. Allele origin: germline.
Comment: In summary, the available evidence is currently insufficient to determine the role of this variant in disease. Therefore, it has been classified as a Variant of Uncertain Significance. Experimental studies and prediction algorithms are not available or were not evaluated, and the functional significance of this variant is currently unknown. This variant has not been reported in the literature in individuals affected with KCNA5-related conditions. This variant is present in population databases (no rsID available, gnomAD 0.006%). This sequence change creates a premature translational stop signal (p.Phe369Profs*87) in the KCNA5 gene. While this is not anticipated to result in nonsense mediated decay, it is expected to disrupt the last 245 amino acid(s) of the KCNA5 protein.

Department of Legal Medicine, University of Toyama
Classification: Pathogenic for Third degree atrioventricular block. Last evaluated: 2022-05-06. Review status: no assertion criteria provided. Collection method: clinical testing. Allele origin: germline. Affected: yes. Not counted in ClinVar's aggregate classification.

NM_002234.4(KCNA5):c.1105_1112del (p.Phe369fs)

Gene: KCNA5 (potassium voltage-gated channel subfamily A member 5; plus strand). Cytogenetic location: 12p13.32.
Variant type: Deletion.
Coding change: c.1105_1112del on transcript NM_002234.4 (MANE Select); coding-DNA positions 1105 to 1112, 8 bases deleted (TTCATCAC; older notation c.1105_1112delTTCATCAC).
Protein change: p.Phe369fs; shifts the reading frame from phenylalanine 369.
Molecular consequence: frameshift variant.
Genome position (GRCh38, 1-based): chr12:5,045,252-5,045,259, TTCATCAC deleted; deleting any 8 consecutive bases within chr12:5,045,250-5,045,259 gives the same sequence; the c. name uses the placement nearest the transcript's 3' end. VCF-style (leftmost placement, unchanged base first): chr12-5045249-TACTTCATC-T. GRCh37 (hg19) VCF-style: chr12-5154415-TACTTCATC-T.
Other names: short protein forms F369fs.
Identifiers: ClinVar variation 1679821 (VCV001679821.6), dbSNP rs1439658302, ClinGen allele CA603482589.